The following is an entry in ClinVar:

NM_002471.4(MYH6):c.26T>C (p.Phe9Ser)

Genes: MYH6 (myosin heavy chain 6; minus strand), LOC114827851 (VISTA enhancer hs2155; plus strand). Cytogenetic location: 14q11.2.
Variant type: single nucleotide variant.
Coding change: c.26T>C on transcript NM_002471.4 (MANE Select); coding-DNA position 26, T replaced by C.
Protein change: p.Phe9Ser; replaces phenylalanine 9 with serine.
Molecular consequence: missense variant.
Genome position (GRCh38, 1-based): chr14:23,407,198, A>G on the plus strand (T>C on the coding strand, the complement: MYH6 is on the minus strand). VCF-style: chr14-23407198-A-G. GRCh37 (hg19) VCF-style: chr14-23876407-A-G.
Other names: short protein forms F9S.
Identifiers: ClinVar variation 4114828 (VCV004114828.1).
Genomic context (GRCh38, chr14:23,407,198, plus strand): 5'-CGGGTCTGGGCCTCTAGACGCTCCTTCTCTGACTTGCGGAGGTACTGGGCCGCTGCCCCA[A>G]AGTCAGCCATCTGGGCATCGGTCATCTTGGTGCTTCCCCTGGGTCAGAGACAGGAGGGCT-3'
Protein context (NP_002462.2, residues 1-19): MTDAQMAD[Phe9Ser]GAAAQYLRKS

ClinVar aggregate classification (germline): Uncertain significance (1 of 4 stars; one submission).

Conditions:
Cardiovascular phenotype. Identifiers: MedGen CN230736.

gnomAD v4.1: 1 of 1,614,050 alleles (0.000062%); highest among the groups gnomAD compares: Admixed American, 0.0017%; no homozygotes.

Submission:

Ambry Genetics
Classification: Uncertain significance for Cardiovascular phenotype. Last evaluated: 2025-06-20. Review status: criteria provided, single submitter. Criteria: Ambry Variant Classification Scheme 2023. Collection method: clinical testing. Allele origin: germline.
Comment: The p.F9S variant (also known as c.26T>C), located in coding exon 1 of the MYH6 gene, results from a T to C substitution at nucleotide position 26. The phenylalanine at codon 9 is replaced by serine, an amino acid with highly dissimilar properties. This amino acid position is conserved. In addition, the in silico prediction for this alteration is inconclusive. Based on the available evidence, the clinical significance of this variant remains unclear.